The following is an entry in ClinVar:

ClinVar aggregate classification (germline): Pathogenic (1 of 4 stars; one submission).

Conditions:
Neurofibromatosis, type 1 (NF1). Also called: Peripheral type neurofibromatosis; NEUROFIBROMATOSIS, TYPE I, SOMATIC; VON RECKLINGHAUSEN DISEASE; Neurofibromatosis, type I. Identifiers: Orphanet 636, MedGen C0027831, MONDO:0018975, OMIM 162200. Disease mechanism: loss of function.

Submission:

Labcorp Genetics (formerly Invitae), Labcorp
Classification: Pathogenic for Neurofibromatosis, type 1. Last evaluated: 2023-07-30. Review status: criteria provided, single submitter. Criteria: Invitae Variant Classification Sherloc (09022015). Collection method: clinical testing. Allele origin: germline.
Comment: For these reasons, this variant has been classified as Pathogenic. This variant has not been reported in the literature in individuals affected with NF1-related conditions. This variant is not present in population databases (gnomAD no frequency). This sequence change creates a premature translational stop signal (p.Asp2555Metfs*47) in the NF1 gene. It is expected to result in an absent or disrupted protein product. Loss-of-function variants in NF1 are known to be pathogenic (PMID: 10712197, 23913538).

Literature cited by the submitters: PubMed 10712197; PubMed 23913538.

NM_001042492.3(NF1):c.7726_7729del (p.Asp2576fs)

Gene: NF1 (neurofibromin 1; plus strand). Cytogenetic location: 17q11.2.
Variant type: Deletion.
Coding change: c.7726_7729del on transcript NM_001042492.3 (MANE Select); coding-DNA positions 7726 to 7729, 4 bases deleted (GATT; older notation c.7726_7729delGATT).
Protein change: p.Asp2576fs; shifts the reading frame from aspartic acid 2576.
Molecular consequence: frameshift variant.
Genome position (GRCh38, 1-based): chr17:31,356,570-31,356,573, GATT deleted; deleting any 4 consecutive bases within chr17:31,356,569-31,356,573 gives the same sequence; the c. name uses the placement nearest the transcript's 3' end. VCF-style (leftmost placement, unchanged base first): chr17-31356568-CTGAT-C. GRCh37 (hg19) VCF-style: chr17-29683586-CTGAT-C.
Other names: c.7663_7666delGATT, p.Asp2555Metfs (NM_000267.4); short protein forms D2576fs, D2555fs.
Identifiers: ClinVar variation 2748367 (VCV002748367.3), dbSNP rs2508824483, ClinGen allele CA2697559645.
Genomic context (GRCh38, chr17:31,356,568, plus strand): 5'-AAAGGCAAGAAATGGAATCAGGGATCACAACACCCCCCAAAATGAGGAGAGTAGCAGAAA[CTGAT>C]TATGAAATGGGTGAGAAACAAAGTATTGATCTAGATCATTGAAAATAAGGTGGGAGAGTA-3'